The following is an entry in ClinVar:

NM_000642.3(AGL):c.3964G>C (p.Val1322Leu)

Gene: AGL (amylo-alpha-1,6-glucosidase and 4-alpha-glucanotransferase; plus strand). Cytogenetic location: 1p21.2.
Variant type: single nucleotide variant.
Coding change: c.3964G>C on transcript NM_000642.3 (MANE Select); coding-DNA position 3964, G replaced by C.
Protein change: p.Val1322Leu; replaces valine 1322 with leucine.
Molecular consequence: missense variant.
Genome position (GRCh38, 1-based): chr1:99,913,541, G>C. VCF-style: chr1-99913541-G-C. GRCh37 (hg19) VCF-style: chr1-100379097-G-C.
Other names: c.3964G>C, p.Val1322Leu (NM_000028.3, NM_000643.3, NM_000644.3 and 1 more transcripts); c.3916G>C, p.Val1306Leu (NM_000646.3); c.3943G>C, p.Val1315Leu (NM_001425326.1); c.3763G>C, p.Val1255Leu (NM_001425327.1); c.3760G>C, p.Val1254Leu (NM_001425328.1); c.3625G>C, p.Val1209Leu (NM_001425329.1); c.3586G>C, p.Val1196Leu (NM_001425332.1); short protein forms V1322L, V1306L, V1196L, V1209L, V1254L, V1255L, V1315L.
Identifiers: ClinVar variation 1929946 (VCV001929946.2), dbSNP rs780376123, ClinGen allele CA967276.

ClinVar aggregate classification (germline): Uncertain significance (1 of 4 stars; one submission).

Conditions:
Glycogen storage disease type III (GSD3). Also called: Cori disease; FORBES DISEASE. Identifiers: Orphanet 366, MedGen C0017922, MONDO:0009291, OMIM 232400.

Allele frequency attached by ClinVar (database versions not stated): gnomAD exomes below 0.00001; TOPMed below 0.00001; ExAC 0.00001.
gnomAD v4.1: 1 of 1,613,218 alleles (0.000062%); highest among the groups gnomAD compares: Admixed American, 0.0017%; no homozygotes.

Submission:

Labcorp Genetics (formerly Invitae), Labcorp
Classification: Uncertain significance for Glycogen storage disease type III. Last evaluated: 2022-05-31. Review status: criteria provided, single submitter. Criteria: Invitae Variant Classification Sherloc (09022015). Collection method: clinical testing. Allele origin: germline.
Comment: This sequence change replaces valine, which is neutral and non-polar, with leucine, which is neutral and non-polar, at codon 1322 of the AGL protein (p.Val1322Leu). This variant is present in population databases (rs780376123, gnomAD 0.003%). This variant has not been reported in the literature in individuals affected with AGL-related conditions. Algorithms developed to predict the effect of missense changes on protein structure and function (SIFT, PolyPhen-2, Align-GVGD) all suggest that this variant is likely to be tolerated. In summary, the available evidence is currently insufficient to determine the role of this variant in disease. Therefore, it has been classified as a Variant of Uncertain Significance.